The following is an entry in ClinVar:

NM_000179.3(MSH6):c.872A>G (p.Asn291Ser)

Gene: MSH6 (mutS homolog 6; plus strand). Cytogenetic location: 2p16.3.
Variant type: single nucleotide variant.
Coding change: c.872A>G on transcript NM_000179.3 (MANE Select); coding-DNA position 872, A replaced by G.
Protein change: p.Asn291Ser; replaces asparagine 291 with serine.
Molecular consequence: missense variant. On other transcripts: 5 prime UTR variant (9), non-coding transcript variant (4), intron variant (1).
Genome position (GRCh38, 1-based): chr2:47,798,855, A>G. VCF-style: chr2-47798855-A-G. GRCh37 (hg19) VCF-style: chr2-48025994-A-G.
Other names: c.482A>G, p.Asn161Ser (NM_001281492.2); c.-35A>G (NM_001281493.2, NM_001281494.2, NM_001406811.1 and 6 more transcripts); c.968A>G, p.Asn323Ser (NM_001406795.1, NM_001406802.1); c.872A>G, p.Asn291Ser (NM_001406796.1, NM_001406798.1, NM_001406800.1 and 4 more transcripts); c.575A>G, p.Asn192Ser (NM_001406797.1, NM_001406801.1, NM_001406805.1 and 10 more transcripts); c.347A>G, p.Asn116Ser (NM_001406799.1, NM_001406806.1, NM_001406807.1); c.794A>G, p.Asn265Ser (NM_001406804.1); c.878A>G, p.Asn293Ser (NM_001406813.1); and 2 more; short protein forms N116S, N291S, N293S, N161S, N265S, N323S, N235S, N192S.
Identifiers: ClinVar variation 3671210 (VCV003671210.2).

ClinVar aggregate classification (germline): Uncertain significance (1 of 4 stars; one submission).

Conditions:
Hereditary nonpolyposis colorectal neoplasms. Identifiers: MedGen C0009405, MeSH D003123.

Submission:

Labcorp Genetics (formerly Invitae), Labcorp
Classification: Uncertain significance for Hereditary nonpolyposis colorectal neoplasms. Last evaluated: 2024-07-16. Review status: criteria provided, single submitter. Criteria: Invitae Variant Classification Sherloc (09022015). Collection method: clinical testing. Allele origin: germline.
Comment: This sequence change replaces asparagine, which is neutral and polar, with serine, which is neutral and polar, at codon 291 of the MSH6 protein (p.Asn291Ser). This variant is not present in population databases (gnomAD no frequency). This variant has not been reported in the literature in individuals affected with MSH6-related conditions. Advanced modeling of protein sequence and biophysical properties (such as structural, functional, and spatial information, amino acid conservation, physicochemical variation, residue mobility, and thermodynamic stability) performed at Invitae indicates that this missense variant is not expected to disrupt MSH6 protein function with a negative predictive value of 95%. In summary, the available evidence is currently insufficient to determine the role of this variant in disease. Therefore, it has been classified as a Variant of Uncertain Significance.